The following is an entry in ClinVar:

ClinVar aggregate classification (germline): Likely benign (0 of 4 stars; one submission).

Conditions:
DIS3-related disorder. Also called: DIS3-related condition.

Allele frequency attached by ClinVar (database versions not stated): gnomAD 0.00007; TOPMed 0.00008; ExAC 0.00019; 1000 Genomes Project 30x 0.00031; 1000 Genomes Project 0.00040.
gnomAD v4.1: 90 of 1,610,396 alleles (0.0056%); highest among the groups gnomAD compares: East Asian, 0.18%; no homozygotes.

Submission:

PreventionGenetics, part of Exact Sciences
Classification: Likely benign for DIS3-related condition. Last evaluated: 2023-01-03. Review status: no assertion criteria provided. Collection method: clinical testing. Allele origin: germline.
Comment: This variant is classified as likely benign based on ACMG/AMP sequence variant interpretation guidelines (Richards et al. 2015 PMID: 25741868, with internal and published modifications).

NM_014953.5(DIS3):c.1978A>G (p.Asn660Asp)

Gene: DIS3 (DIS3 homolog, exosome endoribonuclease and 3'-5' exoribonuclease; minus strand). Cytogenetic location: 13q21.33.
Variant type: single nucleotide variant.
Coding change: c.1978A>G on transcript NM_014953.5 (MANE Select); coding-DNA position 1978, A replaced by G.
Protein change: p.Asn660Asp; replaces asparagine 660 with aspartic acid.
Molecular consequence: missense variant.
Genome position (GRCh38, 1-based): chr13:72,763,600, T>C on the plus strand (A>G on the coding strand, the complement: DIS3 is on the minus strand). VCF-style: chr13-72763600-T-C. GRCh37 (hg19) VCF-style: chr13-73337738-T-C.
Other names: c.1888A>G, p.Asn630Asp (NM_001128226.3); c.1609A>G, p.Asn537Asp (NM_001322348.2); c.1492A>G, p.Asn498Asp (NM_001322349.2); short protein forms N498D, N537D, N630D, N660D.
Identifiers: ClinVar variation 3054810 (VCV003054810.2), dbSNP rs562301195, ClinGen allele CA7001092.